The following is an entry in ClinVar:

ClinVar aggregate classification (germline): Uncertain significance. Review status: criteria provided, multiple submitters, no conflicts (2 of 4 stars). 2 submissions from 2 submitters: Uncertain significance (2). Last evaluated 2025-03-27.

Conditions:
Carnitine palmitoyl transferase 1A deficiency. Also called: Carnitine palmitoyltransferase 1A deficiency; CPT deficiency, hepatic, type IA; CPT I DEFICIENCY; CPT DEFICIENCY, HEPATIC, TYPE I; Carnitine palmitoyltransferase type I deficiency. Identifiers: Orphanet 156, MedGen C1829703, MONDO:0009705, OMIM 255120.
Inborn genetic diseases. Identifiers: MedGen C0950123, MeSH D030342.

Allele frequency attached by ClinVar (database versions not stated): ExAC 0.00001; gnomAD 0.00002; TOPMed 0.00002; gnomAD exomes 0.00006; ESP Exome Variant Server 0.00008.

Submissions (2):

Ambry Genetics
Classification: Uncertain significance for Inborn genetic diseases. Last evaluated: 2025-03-27. Review status: criteria provided, single submitter. Criteria: Ambry Variant Classification Scheme 2023. Collection method: clinical testing. Allele origin: germline.

Labcorp Genetics (formerly Invitae), Labcorp
Classification: Uncertain significance for Carnitine palmitoyl transferase 1A deficiency. Last evaluated: 2022-07-21. Review status: criteria provided, single submitter. Criteria: Invitae Variant Classification Sherloc (09022015). Collection method: clinical testing. Allele origin: germline.
Comment: This sequence change replaces threonine, which is neutral and polar, with methionine, which is neutral and non-polar, at codon 93 of the CPT1A protein (p.Thr93Met). This variant is present in population databases (rs368052217, gnomAD 0.005%). This variant has not been reported in the literature in individuals affected with CPT1A-related conditions. Algorithms developed to predict the effect of missense changes on protein structure and function output the following: SIFT: "Tolerated"; PolyPhen-2: "Benign"; Align-GVGD: "Class C0". The methionine amino acid residue is found in multiple mammalian species, which suggests that this missense change does not adversely affect protein function. In summary, the available evidence is currently insufficient to determine the role of this variant in disease. Therefore, it has been classified as a Variant of Uncertain Significance.

NM_001876.4(CPT1A):c.278C>T (p.Thr93Met)

Gene: CPT1A (carnitine palmitoyltransferase 1A; minus strand). Cytogenetic location: 11q13.3.
Variant type: single nucleotide variant.
Coding change: c.278C>T on transcript NM_001876.4 (MANE Select); coding-DNA position 278, C replaced by T.
Protein change: p.Thr93Met; replaces threonine 93 with methionine.
Molecular consequence: missense variant.
Genome position (GRCh38, 1-based): chr11:68,812,440, G>A on the plus strand (C>T on the coding strand, the complement: CPT1A is on the minus strand). VCF-style: chr11-68812440-G-A. GRCh37 (hg19) VCF-style: chr11-68579908-G-A.
Other names: c.278C>T, p.Thr93Met (NM_001031847.3); c.278C>T (NM_001876.3); short protein forms T93M.
Identifiers: ClinVar variation 2078459 (VCV002078459.2), dbSNP rs368052217, ClinGen allele CA6152732.